The following is an entry in ClinVar:

ClinVar aggregate classification (germline): Likely benign. Review status: criteria provided, multiple submitters, no conflicts (2 of 4 stars). 3 submissions from 3 submitters: Likely benign (2). 1 of the submissions does not count toward it. Last evaluated 2026-01-03.

Conditions:
CC2D2A-related disorder. Also called: CC2D2A-related disorders; CC2D2A-related condition. Identifiers: MedGen CN239313.
Joubert syndrome. Also called: JOUBERT-BOLTSHAUSER SYNDROME; Familial aplasia of the vermis. Identifiers: Orphanet 475, MedGen C5979921, MONDO:0018772.
Meckel-Gruber syndrome. Also called: DYSENCEPHALIA SPLANCHNOCYSTICA; GRUBER SYNDROME; Dysencephalia splachnocystica. Identifiers: Orphanet 564, MedGen C0265215, MONDO:0018921.

Allele frequency attached by ClinVar (database versions not stated): gnomAD exomes 0.00001; ExAC 0.00004; ESP Exome Variant Server 0.00008; gnomAD 0.00009 and 0.00010; TOPMed 0.00009; 1000 Genomes Project 30x 0.00016; 1000 Genomes Project 0.00020.
gnomAD v4.1: 21 of 1,578,328 alleles (0.0013%); highest among the groups gnomAD compares: African/African-American, 0.028%; no homozygotes.

Submissions (3):

Labcorp Genetics (formerly Invitae), Labcorp
Classification: Likely benign for Joubert syndrome; Meckel-Gruber syndrome. Last evaluated: 2026-01-03. Review status: criteria provided, single submitter. Criteria: Invitae Variant Classification Sherloc (09022015). Collection method: clinical testing. Allele origin: germline.

Blueprint Genetics
Classification: Likely benign. Last evaluated: 2022-08-23. Review status: criteria provided, single submitter. Criteria: ACMG Guidelines, 2015. Collection method: clinical testing. Allele origin: germline.

PreventionGenetics, part of Exact Sciences
Classification: Likely benign for CC2D2A-related condition. Last evaluated: 2021-05-26. Review status: no assertion criteria provided. Collection method: clinical testing. Allele origin: germline. Not counted in ClinVar's aggregate classification.
Comment: This variant is classified as likely benign based on ACMG/AMP sequence variant interpretation guidelines (Richards et al. 2015 PMID: 25741868, with internal and published modifications).

NM_001378615.1(CC2D2A):c.4818T>C (p.Val1606=)

Genes: CC2D2A (coiled-coil and C2 domain containing 2A; plus strand), FBXL5 (F-box and leucine rich repeat protein 5; minus strand). Cytogenetic location: 4p15.32.
Variant type: single nucleotide variant.
Coding change: c.4818T>C on transcript NM_001378615.1 (MANE Select); coding-DNA position 4818, T replaced by C.
Protein change: p.Val1606=; no amino-acid change (valine 1606 retained).
Molecular consequence: synonymous variant.
Genome position (GRCh38, 1-based): chr4:15,601,380, T>C. VCF-style: chr4-15601380-T-C. GRCh37 (hg19) VCF-style: chr4-15603003-T-C.
Other names: c.4818T>C, p.Val1606= (NM_001080522.2); c.4671T>C, p.Val1557= (NM_001378617.1).
Identifiers: ClinVar variation 1127818 (VCV001127818.12), dbSNP rs373897309, ClinGen allele CA2864486.